The following is an entry in ClinVar:

NM_001205293.3(CACNA1E):c.1009A>G (p.Ile337Val)

Gene: CACNA1E (calcium voltage-gated channel subunit alpha1 E; plus strand). Cytogenetic location: 1q25.3.
Variant type: single nucleotide variant.
Coding change: c.1009A>G on transcript NM_001205293.3 (MANE Select); coding-DNA position 1009, A replaced by G.
Protein change: p.Ile337Val; replaces isoleucine 337 with valine.
Molecular consequence: missense variant.
Genome position (GRCh38, 1-based): chr1:181,651,395, A>G. VCF-style: chr1-181651395-A-G. GRCh37 (hg19) VCF-style: chr1-181620531-A-G.
Other names: c.1009A>G, p.Ile337Val (NM_000721.4, NM_001205294.2); short protein forms I337V.
Identifiers: ClinVar variation 3375904 (VCV003375904.1).
Genomic context (GRCh38, chr1:181,651,395, plus strand): 5'-CAGACCAATGATGCCTTAGGAGCCACCTGGAATTGGCTGTACTTCATCCCCCTCATCATC[A>G]TTGGATCCTTCTTTGTTCTCAACCTAGTCCTGGGAGTGCTTTCCGGGTGAGCCAGATGTT-3'
Protein context (NP_001192222.1, residues 327-347): NWLYFIPLII[Ile337Val]GSFFVLNLVL

ClinVar aggregate classification (germline): Uncertain significance (1 of 4 stars; one submission).

Submission:

GeneDx
Classification: Uncertain significance. Last evaluated: 2024-05-01. Review status: criteria provided, single submitter. Criteria: GeneDx Variant Classification Process June 2021. Collection method: clinical testing. Allele origin: germline. Affected: yes.
Comment: Not observed at significant frequency in large population cohorts (gnomAD); In silico analysis indicates that this missense variant does not alter protein structure/function; Has not been previously published as pathogenic or benign to our knowledge; This variant is associated with the following publications: (PMID: 30343943)